The following is an entry in ClinVar:

ClinVar aggregate classification (germline): Conflicting classifications of pathogenicity. Review status: criteria provided, conflicting classifications (1 of 4 stars). 3 submissions from 3 submitters: Uncertain significance (1); Likely benign (2). Last evaluated 2024-05-03.

Conditions:
Hereditary cancer-predisposing syndrome. Also called: Hereditary Cancer Syndrome; Neoplastic Syndromes, Hereditary; Hereditary neoplastic syndrome; Tumor predisposition. Identifiers: Orphanet 140162, MedGen C0027672, MeSH D009386, MONDO:0015356.
Hereditary breast ovarian cancer syndrome. Also called: Hereditary breast and ovarian cancer syndrome; Breast and ovarian cancer; Hereditary breast and ovarian cancer; Hereditary breast and/or ovarian cancer syndrome; BRCA1- and BRCA2-Associated Hereditary Breast and Ovarian Cancer; Hereditary breast and ovarian cancer syndrome (HBOC). Identifiers: Orphanet 145, MedGen C0677776, MeSH D061325, MONDO:0003582. Disease mechanism: loss of function.

Submissions (3):

Quest Diagnostics Nichols Institute San Juan Capistrano
Classification: Uncertain significance. Last evaluated: 2024-05-03. Review status: criteria provided, single submitter. Criteria: Quest Diagnostics criteria. Collection method: clinical testing. Allele origin: unknown.
Comment: The BRCA1 c.4539C>T (p.Cys1513=) synonymous variant has not been reported in individuals with BRCA1-related conditions in the published literature. It also has not been reported in large, multi-ethnic general populations (Genome Aggregation Database). Analysis of this variant using software algorithms for the prediction of the effect of nucleotide changes on splicing yielded predictions that this variant does not affect BRCA1 mRNA splicing. Based on the available information, we are unable to determine the clinical significance of this variant.

Labcorp Genetics (formerly Invitae), Labcorp
Classification: Likely benign for Hereditary breast ovarian cancer syndrome. Last evaluated: 2024-03-03. Review status: criteria provided, single submitter. Criteria: Invitae Variant Classification Sherloc (09022015). Collection method: clinical testing. Allele origin: germline.

Ambry Genetics
Classification: Likely benign for Hereditary cancer-predisposing syndrome. Last evaluated: 2021-07-23. Review status: criteria provided, single submitter. Criteria: Ambry Variant Classification Scheme 2023. Collection method: clinical testing. Allele origin: germline.

NM_007294.4(BRCA1):c.4539C>T (p.Cys1513=)

Gene: BRCA1 (BRCA1 DNA repair associated; minus strand). Cytogenetic location: 17q21.31.
Variant type: single nucleotide variant.
Coding change: c.4539C>T on transcript NM_007294.4 (MANE Select); coding-DNA position 4539, C replaced by T.
Protein change: p.Cys1513=; no amino-acid change (cysteine 1513 retained).
Molecular consequence: synonymous variant. On other transcripts: intron variant (3).
Genome position (GRCh38, 1-based): chr17:43,074,467, G>A on the plus strand (C>T on the coding strand, the complement: BRCA1 is on the minus strand). VCF-style: chr17-43074467-G-A. GRCh37 (hg19) VCF-style: chr17-41226484-G-A.
Other names: c.4275C>T, p.Cys1425= (NM_001407921.1, NM_001407922.1, NM_001407923.1 and 4 more transcripts); c.4272C>T, p.Cys1424= (NM_001407927.1, NM_001407928.1, NM_001407929.1 and 4 more transcripts); c.4269C>T, p.Cys1423= (NM_001407934.1, NM_001407935.1, NM_001407936.1); c.4416C>T, p.Cys1472= (NM_001407937.1, NM_001407938.1, NM_001407664.1 and 6 more transcripts); c.4413C>T, p.Cys1471= (NM_001407939.1, NM_001407940.1, NM_001407670.1 and 11 more transcripts); c.4410C>T, p.Cys1470= (NM_001407941.1, NM_001407681.1, NM_001407682.1 and 6 more transcripts); c.4398C>T, p.Cys1466= (NM_001407942.1, NM_001407692.1, NM_001407694.1 and 13 more transcripts); c.4395C>T, p.Cys1465= (NM_001407943.1, NM_001407944.1, NM_001407945.1 and 21 more transcripts); and 71 more.
Identifiers: ClinVar variation 1140465 (VCV001140465.17), dbSNP rs2052610048, ClinGen allele CA500146643.